The following is an entry in ClinVar:

ClinVar aggregate classification (germline): Uncertain significance (1 of 4 stars; one submission).

Submission:

Ambry Genetics
Classification: Uncertain significance. Last evaluated: 2024-06-07. Review status: criteria provided, single submitter. Criteria: Ambry Variant Classification Scheme 2023. Collection method: clinical testing. Allele origin: germline.
Comment: The p.T1839I variant (also known as c.5516C>T), located in coding exon 16 of the POLQ gene, results from a C to T substitution at nucleotide position 5516. The threonine at codon 1839 is replaced by isoleucine, an amino acid with similar properties. This amino acid position is conserved. In addition, this alteration is predicted to be tolerated by in silico analysis. Based on the available evidence, the clinical significance of this variant remains unclear.

NM_199420.4(POLQ):c.5516C>T (p.Thr1839Ile)

Gene: POLQ (DNA polymerase theta; minus strand). Cytogenetic location: 3q13.33.
Variant type: single nucleotide variant.
Coding change: c.5516C>T on transcript NM_199420.4 (MANE Select); coding-DNA position 5516, C replaced by T.
Protein change: p.Thr1839Ile; replaces threonine 1839 with isoleucine.
Molecular consequence: missense variant.
Genome position (GRCh38, 1-based): chr3:121,487,415, G>A on the plus strand (C>T on the coding strand, the complement: POLQ is on the minus strand). VCF-style: chr3-121487415-G-A. GRCh37 (hg19) VCF-style: chr3-121206262-G-A.
Other names: short protein forms T1839I.
Identifiers: ClinVar variation 3308719 (VCV003308719.1).